The following is an entry in ClinVar:

ClinVar aggregate classification (germline): Conflicting classifications of pathogenicity. Review status: criteria provided, conflicting classifications (1 of 4 stars). 4 submissions from 4 submitters: Uncertain significance (3); Likely benign (1). Last evaluated 2026-06-15.

Conditions:
Hereditary cancer-predisposing syndrome. Also called: Neoplastic Syndromes, Hereditary; Tumor predisposition; Hereditary Cancer Syndrome; Hereditary neoplastic syndrome. Identifiers: Orphanet 140162, MedGen C0027672, MeSH D009386, MONDO:0015356.
Polyps, multiple and recurrent inflammatory fibroid, gastrointestinal. Identifiers: MedGen C5193005, MONDO:0008285, OMIM 175510.
Gastrointestinal stromal tumor. Also called: Gastrointestinal stromal tumor, somatic; Gastrointestinal stroma tumor. Identifiers: Orphanet 44890, MedGen C0238198, MeSH D046152, MONDO:0011719, OMIM 606764, HP:0100723.

Allele frequency attached by ClinVar (database versions not stated): TOPMed below 0.00001; gnomAD 0.00001; gnomAD exomes 0.00001; ExAC 0.00002.
gnomAD v4.1: 13 of 1,613,548 alleles (0.00081%); highest among the groups gnomAD compares: Non-Finnish European, 0.0011%; no homozygotes.

Submissions (4):

Myriad Genetics, Inc.
Classification: Likely benign for Polyps, multiple and recurrent inflammatory fibroid, gastrointestinal. Last evaluated: 2026-06-15. Review status: criteria provided, single submitter. Criteria: Myriad Autosomal Dominant, Autosomal Recessive and X-Linked Classification Criteria (2023). Collection method: clinical testing. Allele origin: unknown.
Comment: This variant is considered likely benign. This variant has been observed at a population frequency that is significantly greater than expected given the associated disease prevalence and penetrance.

Labcorp Genetics (formerly Invitae), Labcorp
Classification: Uncertain significance for Gastrointestinal stromal tumor. Last evaluated: 2025-10-28. Review status: criteria provided, single submitter. Criteria: Invitae Variant Classification Sherloc (09022015). Collection method: clinical testing. Allele origin: germline.
Comment: This sequence change replaces tyrosine, which is neutral and polar, with cysteine, which is neutral and slightly polar, at codon 679 of the PDGFRA protein (p.Tyr679Cys). This variant is present in population databases (rs772617321, gnomAD 0.002%). This variant has not been reported in the literature in individuals affected with PDGFRA-related conditions. ClinVar contains an entry for this variant (Variation ID: 835766). Invitae Evidence Modeling of protein sequence and biophysical properties (such as structural, functional, and spatial information, amino acid conservation, physicochemical variation, residue mobility, and thermodynamic stability) indicates that this missense variant is not expected to disrupt PDGFRA protein function with a negative predictive value of 80%. In summary, the available evidence is currently insufficient to determine the role of this variant in disease. Therefore, it has been classified as a Variant of Uncertain Significance.

Ambry Genetics
Classification: Uncertain significance for Hereditary cancer-predisposing syndrome. Last evaluated: 2025-01-15. Review status: criteria provided, single submitter. Criteria: Ambry Variant Classification Scheme 2023. Collection method: clinical testing. Allele origin: germline.
Comment: The p.Y679C variant (also known as c.2036A>G), located in coding exon 14 of the PDGFRA gene, results from an A to G substitution at nucleotide position 2036. The tyrosine at codon 679 is replaced by cysteine, an amino acid with highly dissimilar properties. This amino acid position is highly conserved in available vertebrate species. In addition, this alteration is predicted to be deleterious by in silico analysis. Based on the available evidence, the clinical significance of this variant remains unclear.

GeneDx
Classification: Uncertain significance. Last evaluated: 2020-03-18. Review status: criteria provided, single submitter. Criteria: GeneDx Variant Classification Process June 2021. Collection method: clinical testing. Allele origin: germline. Affected: yes.
Comment: Not observed at a significant frequency in large population cohorts (Lek 2016); In silico analysis supports that this missense variant has a deleterious effect on protein structure/function; Has not been previously published as pathogenic or benign to our knowledge

NM_006206.6(PDGFRA):c.2036A>G (p.Tyr679Cys)

Gene: PDGFRA (platelet derived growth factor receptor alpha; plus strand). Cytogenetic location: 4q12.
Variant type: single nucleotide variant.
Coding change: c.2036A>G on transcript NM_006206.6 (MANE Select); coding-DNA position 2036, A replaced by G.
Protein change: p.Tyr679Cys; replaces tyrosine 679 with cysteine.
Molecular consequence: missense variant.
Genome position (GRCh38, 1-based): chr4:54,278,395, A>G. VCF-style: chr4-54278395-A-G. GRCh37 (hg19) VCF-style: chr4-55144562-A-G.
Other names: c.2036A>G, p.Tyr679Cys (NM_001347827.2, NM_001347829.2); c.2111A>G, p.Tyr704Cys (NM_001347828.2); c.2075A>G, p.Tyr692Cys (NM_001347830.2); short protein forms Y692C, Y704C, Y679C.
Identifiers: ClinVar variation 835766 (VCV000835766.14), dbSNP rs772617321, ClinGen allele CA2922740.